The following is an entry in ClinVar:

ClinVar aggregate classification (germline): Likely pathogenic (1 of 4 stars; one submission).

Conditions:
Nance-Horan syndrome (NHS). Identifiers: Orphanet 627, MedGen C0796085, MONDO:0010545, OMIM 302350.

Submission:

3billion
Classification: Likely pathogenic for Nance-Horan syndrome. Last evaluated: 2025-01-09. Review status: criteria provided, single submitter. Criteria: ACMG Guidelines, 2015. Collection method: clinical testing. Allele origin: germline. Affected: yes.
Comment: The variant is not observed in the gnomAD v4.1.0 dataset. Predicted Consequence/Location: Frameshift: predicted to result in a loss or disruption of normal protein function through nonsense-mediated decay (NMD) or protein truncation. Multiple pathogenic variants are reported downstream of the variant. Therefore, this variant is classified as Likely pathogenic according to the recommendation of ACMG/AMP guideline.

NM_001291867.2(NHS):c.451del (p.Gln151fs)

Gene: NHS (NHS actin remodeling regulator; plus strand). Cytogenetic location: Xp22.2.
Variant type: Deletion.
Coding change: c.451del on transcript NM_001291867.2 (MANE Select); coding-DNA position 451, one base deleted (C; older notation c.451delC).
Protein change: p.Gln151fs; shifts the reading frame from glutamine 151.
Molecular consequence: frameshift variant.
Genome position (GRCh38, 1-based): chrX:17,376,208, C deleted; the last of 2 consecutive C bases (chrX:17,376,207-17,376,208); deleting either gives the same sequence. VCF-style (leftmost placement, unchanged base first): chrX-17376206-TC-T. GRCh37 (hg19) VCF-style: chrX-17394329-TC-T.
Other names: c.451del, p.Gln151fs (NM_198270.4); short protein forms Q151fs.
Identifiers: ClinVar variation 4293021 (VCV004293021.1).